The following is an entry in ClinVar:

NM_015404.4(WHRN):c.73_88del (p.Gly25fs)

Gene: WHRN (whirlin; minus strand). Cytogenetic location: 9q32.
Variant type: Deletion.
Coding change: c.73_88del on transcript NM_015404.4 (MANE Select); coding-DNA positions 73 to 88, 16 bases deleted (GGCGGCGGCGGGGGCG).
Protein change: p.Gly25fs; shifts the reading frame from glycine 25.
Molecular consequence: frameshift variant.
Genome position (GRCh38, 1-based): chr9:114,504,714-114,504,729, CGCCCCCGCCGCCGCC deleted on the plus strand (GGCGGCGGCGGGGGCG on the coding strand, the reverse complement: WHRN is on the minus strand); deleting any 16 consecutive bases within chr9:114,504,714-114,504,735 gives the same sequence; the c. name uses the placement nearest the transcript's 3' end. VCF-style (leftmost placement, unchanged base first): chr9-114504713-GCGCCCCCGCCGCCGCC-G. GRCh37 (hg19) VCF-style: chr9-117266993-GCGCCCCCGCCGCCGCC-G.
Other names: c.73_88del, p.Gly25fs (NM_001173425.2); short protein forms G25fs.
Identifiers: ClinVar variation 2971028 (VCV002971028.3), dbSNP rs1564249350, ClinGen allele CA918540137.

ClinVar aggregate classification (germline): Pathogenic (1 of 4 stars; one submission).

Submission:

Labcorp Genetics (formerly Invitae), Labcorp
Classification: Pathogenic. Last evaluated: 2024-08-28. Review status: criteria provided, single submitter. Criteria: Invitae Variant Classification Sherloc (09022015). Collection method: clinical testing. Allele origin: germline.
Comment: This sequence change creates a premature translational stop signal (p.Gly25Argfs*17) in the WHRN gene. It is expected to result in an absent or disrupted protein product. Loss-of-function variants in WHRN are known to be pathogenic (PMID: 12833159, 15841483, 22147658). This variant is not present in population databases (gnomAD no frequency). This variant has not been reported in the literature in individuals affected with WHRN-related conditions. For these reasons, this variant has been classified as Pathogenic.

Literature cited by the submitters: PubMed 12833159; PubMed 15841483; PubMed 22147658.